The following is an entry in ClinVar:

NM_003079.5(SMARCE1):c.901G>A (p.Glu301Lys)

Gene: SMARCE1 (SWI/SNF related BAF chromatin remodeling complex subunit E1; minus strand). Cytogenetic location: 17q21.2.
Variant type: single nucleotide variant.
Coding change: c.901G>A on transcript NM_003079.5 (MANE Select); coding-DNA position 901, G replaced by A.
Protein change: p.Glu301Lys; replaces glutamic acid 301 with lysine.
Molecular consequence: missense variant.
Genome position (GRCh38, 1-based): chr17:40,630,840, C>T on the plus strand (G>A on the coding strand, the complement: SMARCE1 is on the minus strand). VCF-style: chr17-40630840-C-T. GRCh37 (hg19) VCF-style: chr17-38787092-C-T.
Other names: c.901G>A (NM_003079.4); short protein forms E301K.
Identifiers: ClinVar variation 999140 (VCV000999140.9), dbSNP rs1442599198, ClinGen allele CA399363725.

ClinVar aggregate classification (germline): Conflicting classifications of pathogenicity. Review status: criteria provided, conflicting classifications (1 of 4 stars). 2 submissions from 2 submitters: Uncertain significance (1); Likely benign (1). Last evaluated 2024-01-19.

Conditions:
Hereditary cancer-predisposing syndrome. Also called: Neoplastic Syndromes, Hereditary; Tumor predisposition; Hereditary Cancer Syndrome; Hereditary neoplastic syndrome. Identifiers: Orphanet 140162, MedGen C0027672, MeSH D009386, MONDO:0015356.
Familial meningioma. Also called: Meningioma, familial, susceptibility to. Identifiers: Orphanet 263662, MedGen C3551915, MONDO:0011789, OMIM 607174.

Allele frequency attached by ClinVar (database versions not stated): gnomAD exomes below 0.00001 and 0.00001.
gnomAD v4.1: 5 of 1,614,104 alleles (0.00031%); highest among the groups gnomAD compares: African/African-American, 0.0013%; no homozygotes.

Submissions (2):

Ambry Genetics
Classification: Likely benign for Hereditary cancer-predisposing syndrome. Last evaluated: 2024-01-19. Review status: criteria provided, single submitter. Criteria: Ambry Variant Classification Scheme 2023. Collection method: clinical testing. Allele origin: germline.

Labcorp Genetics (formerly Invitae), Labcorp
Classification: Uncertain significance for Familial meningioma. Last evaluated: 2020-10-28. Review status: criteria provided, single submitter. Criteria: Invitae Variant Classification Sherloc (09022015). Collection method: clinical testing. Allele origin: germline.
Comment: This variant is not present in population databases (ExAC no frequency). In summary, the available evidence is currently insufficient to determine the role of this variant in disease. Therefore, it has been classified as a Variant of Uncertain Significance. Algorithms developed to predict the effect of missense changes on protein structure and function are either unavailable or do not agree on the potential impact of this missense change (SIFT: "Deleterious"; PolyPhen-2: "Possibly Damaging"; Align-GVGD: "Class C15"). This variant has not been reported in the literature in individuals with SMARCE1-related conditions. This sequence change replaces glutamic acid with lysine at codon 301 of the SMARCE1 protein (p.Glu301Lys). The glutamic acid residue is highly conserved and there is a small physicochemical difference between glutamic acid and lysine.